The following is an entry in ClinVar:

ClinVar aggregate classification (germline): Pathogenic/Likely pathogenic. Review status: criteria provided, multiple submitters, no conflicts (2 of 4 stars). 3 submissions from 3 submitters: Pathogenic (1); Likely pathogenic (1). 1 of the submissions does not count toward it. Last evaluated 2025-01-01.

Conditions:
Retinitis pigmentosa 25 (RP25). Identifiers: Orphanet 791, MedGen C1864446, MONDO:0011272, OMIM 602772.

Submissions (3):

Natera, Inc.
Classification: Likely pathogenic for Retinitis pigmentosa type 25. Last evaluated: 2025-01-01. Review status: criteria provided, single submitter. Criteria: Natera Variant Classification Schema (03/2026). Collection method: clinical testing. Allele origin: germline.
Comment: The c.6229_6238delGTTGATGCTT variant in EYS is a frameshift variant predicted to shift the reading frame beginning at codon 2077 and leads to a stop codon 3 codons downstream. This variant is expected to result in nonsense mediated decay, truncation, or a dysfunctional protein product. This variant is rare in the general population with a frequency below the threshold expected for the associated phenotype(s). Given the available evidence, this variant is classified as Likely Pathogenic.

Labcorp Genetics (formerly Invitae), Labcorp
Classification: Pathogenic. Last evaluated: 2023-06-23. Review status: criteria provided, single submitter. Criteria: Invitae Variant Classification Sherloc (09022015). Collection method: clinical testing. Allele origin: germline.
Comment: This sequence change creates a premature translational stop signal (p.Val2077Leufs*3) in the EYS gene. It is expected to result in an absent or disrupted protein product. Loss-of-function variants in EYS are known to be pathogenic (PMID: 18836446, 20333770). This variant is not present in population databases (gnomAD no frequency). This variant has not been reported in the literature in individuals affected with EYS-related conditions. ClinVar contains an entry for this variant (Variation ID: 553961). For these reasons, this variant has been classified as Pathogenic.

Counsyl
Classification: Likely pathogenic for Retinitis pigmentosa 25. Last evaluated: 2017-10-06. Review status: no assertion criteria provided. Collection method: clinical testing. Allele origin: unknown. Not counted in ClinVar's aggregate classification.

Literature cited by the submitters: PubMed 18836446 (cited by Labcorp Genetics (formerly Invitae), Labcorp); PubMed 20333770 (cited by Labcorp Genetics (formerly Invitae), Labcorp).

NM_001142800.2(EYS):c.6229_6238del (p.Val2077fs)

Gene: EYS (EGF-like photoreceptor maintenance factor; minus strand). Cytogenetic location: 6q12.
Variant type: Deletion.
Coding change: c.6229_6238del on transcript NM_001142800.2 (MANE Select); coding-DNA positions 6229 to 6238, 10 bases deleted (GTTGATGCTT; older notation c.6229_6238delGTTGATGCTT).
Protein change: p.Val2077fs; shifts the reading frame from valine 2077.
Molecular consequence: frameshift variant.
Genome position (GRCh38, 1-based): chr6:64,230,778-64,230,787, AAGCATCAAC deleted on the plus strand (GTTGATGCTT on the coding strand, the reverse complement: EYS is on the minus strand); deleting any 10 consecutive bases within chr6:64,230,778-64,230,789 gives the same sequence; the c. name uses the placement nearest the transcript's 3' end. VCF-style (leftmost placement, unchanged base first): chr6-64230777-GAAGCATCAAC-G. GRCh37 (hg19) VCF-style: chr6-64940670-GAAGCATCAAC-G.
Other names: c.6229_6238del, p.Val2077fs (NM_001292009.2); c.6229_6238delGTTGATGCTT (NM_001142800.1); short protein forms V2077fs.
Identifiers: ClinVar variation 553961 (VCV000553961.9), dbSNP rs1554220416, ClinGen allele CA658822023.
Genomic context (GRCh38, chr6:64,230,777, plus strand): 5'-GGTGCTGCAACAGAGGGGCTGACAGAAGTCCACATGGTATCAACCCCTTGTGTCACATCA[GAAGCATCAAC>G]AAAGGAGGCTGTTGGAGACAGCATAAATCCCTGGGATCTGTGATTTATAAACAGACAAGA-3'